The following is an entry in ClinVar:

ClinVar aggregate classification (germline): Conflicting classifications of pathogenicity. Review status: criteria provided, conflicting classifications (1 of 4 stars). 2 submissions from 2 submitters: Likely pathogenic (1); Uncertain significance (1). Last evaluated 2026-06-23.

Conditions:
Bardet-Biedl syndrome 2 (BBS2). Identifiers: Orphanet 110, MedGen C2936863, MONDO:0014432, OMIM 615981.
Bardet-Biedl syndrome (BBS). Identifiers: Orphanet 110, MedGen C0752166, MONDO:0015229.

gnomAD v4.1: 2 of 1,614,204 alleles (0.00012%); highest among the groups gnomAD compares: Non-Finnish European, 0.00017%; no homozygotes.

Submissions (2):

Oleksyk Lab, Oakland University
Classification: Likely pathogenic for Bardet-Biedl syndrome 2. Last evaluated: 2026-06-23. Review status: criteria provided, single submitter. Criteria: ACMG Guidelines, 2015. Collection method: research. Allele origin: germline. Inheritance: Autosomal recessive inheritance. Affected: yes. Observed: 1 variant allele, 1 homozygote.
Comment: ACMG/AMP 2015 criteria applied PM2 — Moderate pathogenic evidence The variant is absent from population databases according to the laboratory report, including gnomAD with no reported frequency. Given that Bardet-Biedl syndrome is a rare autosomal-recessive condition, absence from population controls supports pathogenicity. PP4_Strong — Strong pathogenic evidence, phenotype-upgraded The patient has a classic clinical phenotype highly specific for Bardet-Biedl syndrome. The phenotype is concordant with BBS2-related disease and includes multiple major/minor features of Bardet-Biedl syndrome. In the absence of an alternative molecular diagnosis, the highly specific phenotype supports upgrading PP4 from supporting to strong. This supports recessive causality. Parental testing confirming that both parents are heterozygous carriers would further support this interpretation and recurrence-risk counseling.

Labcorp Genetics (formerly Invitae), Labcorp
Classification: Uncertain significance for Bardet-Biedl syndrome. Last evaluated: 2025-11-15. Review status: criteria provided, single submitter. Criteria: Invitae Variant Classification Sherloc (09022015). Collection method: clinical testing. Allele origin: germline.
Comment: This sequence change replaces isoleucine, which is neutral and non-polar, with threonine, which is neutral and polar, at codon 306 of the BBS2 protein (p.Ile306Thr). This variant is not present in population databases (gnomAD no frequency). This variant has not been reported in the literature in individuals affected with BBS2-related conditions. Invitae Evidence Modeling of protein sequence and biophysical properties (such as structural, functional, and spatial information, amino acid conservation, physicochemical variation, residue mobility, and thermodynamic stability) indicates that this missense variant is not expected to disrupt BBS2 protein function with a negative predictive value of 80%. In summary, the available evidence is currently insufficient to determine the role of this variant in disease. Therefore, it has been classified as a Variant of Uncertain Significance.

NM_031885.5(BBS2):c.917T>C (p.Ile306Thr)

Gene: BBS2 (Bardet-Biedl syndrome 2; minus strand). Cytogenetic location: 16q13.
Variant type: single nucleotide variant.
Coding change: c.917T>C on transcript NM_031885.5 (MANE Select); coding-DNA position 917, T replaced by C.
Protein change: p.Ile306Thr; replaces isoleucine 306 with threonine.
Molecular consequence: missense variant. On other transcripts: non-coding transcript variant (5).
Genome position (GRCh38, 1-based): chr16:56,502,696, A>G on the plus strand (T>C on the coding strand, the complement: BBS2 is on the minus strand). VCF-style: chr16-56502696-A-G. GRCh37 (hg19) VCF-style: chr16-56536608-A-G.
Other names: c.917T>C, p.Ile306Thr (NM_001377456.1); c.917T>C (NM_031885.3); short protein forms I306T.
Identifiers: ClinVar variation 4764148 (VCV004764148.2).